The following is an entry in ClinVar:

NM_002386.4(MC1R):c.325C>G (p.Arg109Gly)

Gene: MC1R (melanocortin 1 receptor; plus strand). Cytogenetic location: 16q24.3.
Variant type: single nucleotide variant.
Coding change: c.325C>G on transcript NM_002386.4 (MANE Select); coding-DNA position 325, C replaced by G.
Protein change: p.Arg109Gly; replaces arginine 109 with glycine.
Molecular consequence: missense variant.
Genome position (GRCh38, 1-based): chr16:89,919,583, C>G. VCF-style: chr16-89919583-C-G. GRCh37 (hg19) VCF-style: chr16-89985991-C-G.
Other names: short protein forms R109G.
Identifiers: ClinVar variation 5024070 (VCV005024070.1).

ClinVar aggregate classification (germline): Uncertain significance (1 of 4 stars; one submission).

Submission:

Ambry Genetics
Classification: Uncertain significance. Last evaluated: 2026-07-18. Review status: criteria provided, single submitter. Criteria: Ambry Variant Classification Scheme 2023. Collection method: clinical testing. Allele origin: germline.
Comment: The p.R109G variant (also known as c.325C>G), located in coding exon 1 of the MC1R gene, results from a C to G substitution at nucleotide position 325. The arginine at codon 109 is replaced by glycine, an amino acid with dissimilar properties. This amino acid position is conserved. In addition, this alteration is predicted to be tolerated by in silico analysis. Based on the available evidence, the clinical significance of this variant remains unclear.